The following is an entry in ClinVar:

NM_000488.4(SERPINC1):c.1388T>C (p.Val463Ala)

Gene: SERPINC1 (serpin family C member 1; minus strand). Cytogenetic location: 1q25.1.
Variant type: single nucleotide variant.
Coding change: c.1388T>C on transcript NM_000488.4 (MANE Select); coding-DNA position 1388, T replaced by C.
Protein change: p.Val463Ala; replaces valine 463 with alanine.
Molecular consequence: missense variant.
Genome position (GRCh38, 1-based): chr1:173,903,896, A>G on the plus strand (T>C on the coding strand, the complement: SERPINC1 is on the minus strand). VCF-style: chr1-173903896-A-G. GRCh37 (hg19) VCF-style: chr1-173873034-A-G.
Other names: c.1244T>C, p.Val415Ala (NM_001365052.2); c.1511T>C, p.Val504Ala (NM_001386302.1); c.1469T>C, p.Val490Ala (NM_001386303.1); c.1367T>C, p.Val456Ala (NM_001386304.1); c.1331T>C, p.Val444Ala (NM_001386305.1); c.1172T>C, p.Val391Ala (NM_001386306.1); short protein forms V391A, V415A, V444A, V456A, V463A, V490A, V504A.
Identifiers: ClinVar variation 1708455 (VCV001708455.3), dbSNP rs2526542046, ClinGen allele CA343772007.
Genomic context (GRCh38, chr1:173,903,896, plus strand): 5'-TTACTTCTGTTCACAAACCAAAAATAGGAAGAGGTGCAAAGAATAAGAACATTTTACTTA[A>G]CACAAGGGTTGGCTACTCTGCCCATGAAGATAATAGTGTTCAGAGGAACTTCTCTTATAA-3'
Protein context (NP_000479.1, residues 453-464): IFMGRVANPC[Val463Ala]K

ClinVar aggregate classification (germline): Uncertain significance (1 of 4 stars; one submission).

Allele frequency attached by ClinVar (database versions not stated): gnomAD exomes below 0.00001.
gnomAD v4.1: 2 of 1,614,114 alleles (0.00012%); highest among the groups gnomAD compares: Non-Finnish European, 0.00017%; no homozygotes.

Submission:

Centre of Medical Genetics, University Hospital Muenster
Classification: Uncertain significance. Last evaluated: 2021-12-08. Review status: criteria provided, single submitter. Criteria: ACMG Guidelines, 2015. Collection method: clinical testing. Allele origin: unknown. Affected: yes. Observed: 1 variant allele, 1 heterozygote.
Comment: ACMG categories: PM1,PM2